The following is an entry in ClinVar:

ClinVar aggregate classification (germline): Uncertain significance (1 of 4 stars; one submission).

gnomAD v4.1: 3 of 1,613,060 alleles (0.00019%); highest among the groups gnomAD compares: Admixed American, 0.005%; no homozygotes.

Submission:

Women's Health and Genetics/Laboratory Corporation of America, LabCorp
Classification: Uncertain significance. Last evaluated: 2024-06-27. Review status: criteria provided, single submitter. Criteria: LabCorp Variant Classification Summary - May 2015. Collection method: clinical testing. Allele origin: germline.
Comment: Variant summary: SUPT16H c.1188G>T (p.Glu396Asp) results in a conservative amino acid change located in the Peptidase M24 domain (IPR000994) of the encoded protein sequence. Four of five in-silico tools predict a benign effect of the variant on protein function. The variant allele was found at a frequency of 4e-06 in 251442 control chromosomes. The available data on variant occurrences in the general population are insufficient to allow any conclusion about variant significance. To our knowledge, no occurrence of c.1188G>T in individuals affected with Neurodevelopmental Disorder With Dysmorphic Facies And Thin Corpus Callosum and no experimental evidence demonstrating its impact on protein function have been reported. No submitters have cited clinical-significance assessments for this variant to ClinVar. Based on the evidence outlined above, the variant was classified as uncertain significance.

NM_007192.4(SUPT16H):c.1188G>T (p.Glu396Asp)

Gene: SUPT16H (SPT16 homolog, facilitates chromatin remodeling subunit; minus strand). Cytogenetic location: 14q11.2.
Variant type: single nucleotide variant.
Coding change: c.1188G>T on transcript NM_007192.4 (MANE Select); coding-DNA position 1188, G replaced by T.
Protein change: p.Glu396Asp; replaces glutamic acid 396 with aspartic acid.
Molecular consequence: missense variant.
Genome position (GRCh38, 1-based): chr14:21,364,872, C>A on the plus strand (G>T on the coding strand, the complement: SUPT16H is on the minus strand). VCF-style: chr14-21364872-C-A. GRCh37 (hg19) VCF-style: chr14-21833031-C-A.
Other names: short protein forms E396D.
Identifiers: ClinVar variation 3339558 (VCV003339558.1).